The following is an entry in ClinVar:

ClinVar aggregate classification (germline): Uncertain significance. Review status: criteria provided, multiple submitters, no conflicts (2 of 4 stars). 3 submissions from 3 submitters: Uncertain significance (2). 1 of the submissions does not count toward it. Last evaluated 2021-09-20.

Conditions:
Hereditary cancer-predisposing syndrome. Also called: Tumor predisposition; Hereditary neoplastic syndrome; Hereditary Cancer Syndrome; Neoplastic Syndromes, Hereditary. Identifiers: Orphanet 140162, MedGen C0027672, MeSH D009386, MONDO:0015356.
Bloom syndrome (BLM). Also called: Bloom-Torre-Machacek syndrome. Identifiers: Orphanet 125, MedGen C0005859, MONDO:0008876, OMIM 210900.

Submissions (3):

Ambry Genetics
Classification: Uncertain significance for Hereditary cancer-predisposing syndrome. Last evaluated: 2021-09-20. Review status: criteria provided, single submitter. Criteria: Ambry Variant Classification Scheme 2023. Collection method: clinical testing. Allele origin: germline.
Comment: The p.S449Y variant (also known as c.1346C>A), located in coding exon 6 of the BLM gene, results from a C to A substitution at nucleotide position 1346. The serine at codon 449 is replaced by tyrosine, an amino acid with dissimilar properties. This amino acid position is conserved. In addition, this alteration is predicted to be tolerated by in silico analysis. Since supporting evidence is limited at this time, the clinical significance of this alteration remains unclear.

Labcorp Genetics (formerly Invitae), Labcorp
Classification: Uncertain significance for Bloom syndrome. Last evaluated: 2020-03-04. Review status: criteria provided, single submitter. Criteria: Invitae Variant Classification Sherloc (09022015). Collection method: clinical testing. Allele origin: germline.
Comment: This sequence change replaces serine with tyrosine at codon 449 of the BLM protein (p.Ser449Tyr). The serine residue is weakly conserved and there is a large physicochemical difference between serine and tyrosine. This variant is not present in population databases (ExAC no frequency). This variant has not been reported in the literature in individuals with BLM-related conditions. Algorithms developed to predict the effect of missense changes on protein structure and function are either unavailable or do not agree on the potential impact of this missense change (SIFT: "Deleterious"; PolyPhen-2: "Benign"; Align-GVGD: "Class C0"). In summary, the available evidence is currently insufficient to determine the role of this variant in disease. Therefore, it has been classified as a Variant of Uncertain Significance.

Natera, Inc.
Classification: Uncertain significance for Bloom syndrome. Last evaluated: 2020-05-14. Review status: no assertion criteria provided. Collection method: clinical testing. Allele origin: germline. Not counted in ClinVar's aggregate classification.

NM_000057.4(BLM):c.1346C>A (p.Ser449Tyr)

Gene: BLM (BLM RecQ like helicase; plus strand). Cytogenetic location: 15q26.1.
Variant type: single nucleotide variant.
Coding change: c.1346C>A on transcript NM_000057.4 (MANE Select); coding-DNA position 1346, C replaced by A.
Protein change: p.Ser449Tyr; replaces serine 449 with tyrosine.
Molecular consequence: missense variant.
Genome position (GRCh38, 1-based): chr15:90,760,719, C>A. VCF-style: chr15-90760719-C-A. GRCh37 (hg19) VCF-style: chr15-91303949-C-A.
Other names: c.1346C>A, p.Ser449Tyr (NM_001287246.2, NM_001287247.2); c.221C>A, p.Ser74Tyr (NM_001287248.2); c.1346C>A (NM_000057.2); short protein forms S449Y, S74Y.
Identifiers: ClinVar variation 1052747 (VCV001052747.15), dbSNP rs967698170, ClinGen allele CA393842862.